The following is an entry in ClinVar:

ClinVar aggregate classification (germline): Likely benign. Review status: criteria provided, multiple submitters, no conflicts (2 of 4 stars). 2 submissions from 2 submitters: Likely benign (2). Last evaluated 2025-05-01.

Conditions:
Multiple congenital anomalies-hypotonia-seizures syndrome 1 (MCAHS1). Also called: PIGN-CDG; Congenital disorder of glycosylation due to PIGN deficiency; GLYCOSYLPHOSPHATIDYLINOSITOL BIOSYNTHESIS DEFECT 3. Identifiers: Orphanet 280633, MedGen C3279775, MONDO:0013563, OMIM 614080.

Allele frequency attached by ClinVar (database versions not stated): gnomAD exomes 0.00001; ExAC 0.00002; TOPMed 0.00003; gnomAD 0.00005.
gnomAD v4.1: 14 of 1,600,916 alleles (0.00087%); highest among the groups gnomAD compares: African/African-American, 0.016%; no homozygotes.

Submissions (2):

CeGaT Center for Human Genetics Tuebingen
Classification: Likely benign. Last evaluated: 2025-05-01. Review status: criteria provided, single submitter. Criteria: CeGaT Center For Human Genetics Tuebingen Variant Classification Criteria Version 2. Collection method: clinical testing. Allele origin: germline. Affected: yes. Observed: 1 variant allele.
Comment: PIGN: BP4, BP7

Labcorp Genetics (formerly Invitae), Labcorp
Classification: Likely benign for Multiple congenital anomalies-hypotonia-seizures syndrome 1. Last evaluated: 2023-06-18. Review status: criteria provided, single submitter. Criteria: Invitae Variant Classification Sherloc (09022015). Collection method: clinical testing. Allele origin: germline.

NM_176787.5(PIGN):c.1986C>T (p.Leu662=)

Gene: PIGN (phosphatidylinositol glycan anchor biosynthesis class N; minus strand). Cytogenetic location: 18q21.33.
Variant type: single nucleotide variant.
Coding change: c.1986C>T on transcript NM_176787.5 (MANE Select); coding-DNA position 1986, C replaced by T.
Protein change: p.Leu662=; no amino-acid change (leucine 662 retained).
Molecular consequence: synonymous variant.
Genome position (GRCh38, 1-based): chr18:62,101,166, G>A on the plus strand (C>T on the coding strand, the complement: PIGN is on the minus strand). VCF-style: chr18-62101166-G-A. GRCh37 (hg19) VCF-style: chr18-59768399-G-A.
Other names: c.1986C>T, p.Leu662= (NM_012327.6).
Identifiers: ClinVar variation 1945201 (VCV001945201.15), dbSNP rs745679323, ClinGen allele CA8982118.
Genomic context (GRCh38, chr18:62,101,166, plus strand): 5'-GAGAGGCAGTCCTTGCTTCCTGAGTAGACTACTCTGAGTGCTATACACAACATACATGGA[G>A]AGCACTGTGCTCAGCACCTAAAGACAAAGATGAAATAGGTTAAAAAAAGAGAAGGTAGTG-3'
Protein context (NP_789744.1, residues 652-672): VHLLQVLSTV[Leu662=]SMYVVYSTQS